The following is an entry in ClinVar:

NM_024529.5(CDC73):c.934A>G (p.Met312Val)

Gene: CDC73 (cell division cycle 73; plus strand). Cytogenetic location: 1q31.2.
Variant type: single nucleotide variant.
Coding change: c.934A>G on transcript NM_024529.5 (MANE Select); coding-DNA position 934, A replaced by G.
Protein change: p.Met312Val; replaces methionine 312 with valine.
Molecular consequence: missense variant.
Genome position (GRCh38, 1-based): chr1:193,152,406, A>G. VCF-style: chr1-193152406-A-G. GRCh37 (hg19) VCF-style: chr1-193121536-A-G.
Other names: short protein forms M312V.
Identifiers: ClinVar variation 4750985 (VCV004750985.1).

ClinVar aggregate classification (germline): Uncertain significance (1 of 4 stars; one submission).

Conditions:
Parathyroid carcinoma (PRTC). Also called: CDC73-Related Parathyroid Carcinoma; Parathyroid gland carcinoma. Identifiers: Orphanet 143, MedGen C0687150, MONDO:0012004, OMIM 608266, HP:0006780.

gnomAD v4.1: 1 of 1,611,842 alleles (0.000062%); highest among the groups gnomAD compares: South Asian, 0.0011%; no homozygotes.

Submission:

Labcorp Genetics (formerly Invitae), Labcorp
Classification: Uncertain significance for Parathyroid carcinoma. Last evaluated: 2025-09-16. Review status: criteria provided, single submitter. Criteria: Invitae Variant Classification Sherloc (09022015). Collection method: clinical testing. Allele origin: germline.
Comment: This sequence change replaces methionine, which is neutral and non-polar, with valine, which is neutral and non-polar, at codon 312 of the CDC73 protein (p.Met312Val). This variant is present in population databases (no rsID available, gnomAD 0.003%). This variant has not been reported in the literature in individuals affected with CDC73-related conditions. Invitae Evidence Modeling of protein sequence and biophysical properties (such as structural, functional, and spatial information, amino acid conservation, physicochemical variation, residue mobility, and thermodynamic stability) indicates that this missense variant is not expected to disrupt CDC73 protein function with a negative predictive value of 80%. In summary, the available evidence is currently insufficient to determine the role of this variant in disease. Therefore, it has been classified as a Variant of Uncertain Significance.